The following is an entry in ClinVar:

ClinVar aggregate classification (germline): Uncertain significance (1 of 4 stars; one submission).

gnomAD v4.1: 4 of 1,551,538 alleles (0.00026%); highest among the groups gnomAD compares: Non-Finnish European, 0.00035%; no homozygotes.

Submission:

Mayo Clinic Laboratories, Mayo Clinic
Classification: Uncertain significance. Last evaluated: 2023-09-27. Review status: criteria provided, single submitter. Criteria: ACMG Guidelines, 2015. Collection method: clinical testing. Allele origin: germline. Observed: 1 variant allele.
Comment: BP4

NM_001098816.3(TENM4):c.1286G>C (p.Ser429Thr)

Gene: TENM4 (teneurin transmembrane protein 4; minus strand). Cytogenetic location: 11q14.1.
Variant type: single nucleotide variant.
Coding change: c.1286G>C on transcript NM_001098816.3 (MANE Select); coding-DNA position 1286, G replaced by C.
Protein change: p.Ser429Thr; replaces serine 429 with threonine.
Molecular consequence: missense variant.
Genome position (GRCh38, 1-based): chr11:78,856,148, C>G on the plus strand (G>C on the coding strand, the complement: TENM4 is on the minus strand). VCF-style: chr11-78856148-C-G. GRCh37 (hg19) VCF-style: chr11-78567193-C-G.
Other names: p.Ser429Thr; short protein forms S429T.
Identifiers: ClinVar variation 3380046 (VCV003380046.1).